The following is an entry in ClinVar:

NM_080911.3(UNG):c.533+6G>A

Gene: UNG (uracil DNA glycosylase; plus strand). Cytogenetic location: 12q24.11.
Variant type: single nucleotide variant.
Coding change: c.533+6G>A on transcript NM_080911.3 (MANE Select); 6 bases into the intron after coding-DNA position 533, G replaced by A.
Molecular consequence: intron variant.
Genome position (GRCh38, 1-based): chr12:109,102,005, G>A. VCF-style: chr12-109102005-G-A. GRCh37 (hg19) VCF-style: chr12-109539810-G-A.
Other names: c.506+6G>A (NM_003362.4).
Identifiers: ClinVar variation 306973 (VCV000306973.40), dbSNP rs55812333, ClinGen allele CA6772652.
Genomic context (GRCh38, chr12:109,102,005, plus strand): 5'-ATCAAGCTCACGGGCTCTGCTTTAGTGTTCAAAGGCCTGTTCCGCCTCCGCCCAGGTACA[G>A]TTGCTTTACAGGTGACTGCAGTCCAGACATGATTCCTTTCAGATGTGTACTTAGCTTATT-3'

ClinVar aggregate classification (germline): Conflicting classifications of pathogenicity. Review status: criteria provided, conflicting classifications (1 of 4 stars). 8 submissions from 8 submitters: Uncertain significance (1); Likely benign (6). 1 of the submissions does not count toward it. Last evaluated 2026-06-01.

Conditions:
Hyper-IgM syndrome type 5 (HIGM5). Also called: Hyper-IgM Immunodeficiency Syndrome, Type 5. Identifiers: Orphanet 101092, MedGen C1720958, MONDO:0011971, OMIM 608106.
UNG-related disorder. Also called: UNG-related condition.

Allele frequency attached by ClinVar (database versions not stated): 1000 Genomes Project 0.00080; 1000 Genomes Project 30x 0.00094; TOPMed 0.00133; gnomAD exomes 0.00163; ExAC 0.00180; ESP Exome Variant Server 0.00223.
gnomAD v4.1: 3,238 of 1,613,482 alleles (0.2%); highest among the groups gnomAD compares: South Asian, 0.3%; 6 homozygotes.

Submissions (8):

CeGaT Center for Human Genetics Tuebingen
Classification: Likely benign. Last evaluated: 2026-06-01. Review status: criteria provided, single submitter. Criteria: CeGaT Center For Human Genetics Tuebingen Variant Classification Criteria Version 2. Collection method: clinical testing. Allele origin: germline. Affected: yes. Observed: 2 variant alleles.
Comment: UNG: BP4, BS2

Labcorp Genetics (formerly Invitae), Labcorp
Classification: Likely benign for Hyper-IgM syndrome type 5. Last evaluated: 2026-01-29. Review status: criteria provided, single submitter. Criteria: Invitae Variant Classification Sherloc (09022015). Collection method: clinical testing. Allele origin: germline.

Blueprint Genetics
Classification: Likely benign. Last evaluated: 2024-11-26. Review status: criteria provided, single submitter. Criteria: ACMG Guidelines, 2015. Collection method: clinical testing. Allele origin: germline.

ARUP Laboratories, Molecular Genetics and Genomics, ARUP Laboratories
Classification: Likely benign for Hyper-IgM syndrome type 5. Last evaluated: 2023-11-09. Review status: criteria provided, single submitter. Criteria: ARUP Molecular Germline Variant Investigation Process 2024. Collection method: clinical testing. Allele origin: germline.

Illumina Laboratory Services, Illumina
Classification: Uncertain significance for Hyper-IgM syndrome type 5. Last evaluated: 2018-01-13. Review status: criteria provided, single submitter. Criteria: ICSL Variant Classification Criteria 13 December 2019. Collection method: clinical testing. Allele origin: germline.

Clinical Genetics DNA and cytogenetics Diagnostics Lab, Erasmus MC, Erasmus Medical Center
Classification: Likely benign for Hyper-IgM syndrome type 5. Last evaluated: 2017-11-10. Review status: criteria provided, single submitter. Criteria: ACGS Guidelines, 2013. Collection method: clinical testing. Allele origin: germline. Affected: yes. Study: VKGL Data-share Consensus.

Genome Diagnostics Laboratory, University Medical Center Utrecht
Classification: Likely benign for Hyper-IgM syndrome type 5. Last evaluated: 2014-10-09. Review status: criteria provided, single submitter. Criteria: ACGS Guidelines, 2013. Collection method: clinical testing. Allele origin: germline. Affected: yes. Study: VKGL Data-share Consensus.

PreventionGenetics, part of Exact Sciences
Classification: Likely benign for UNG-related condition. Last evaluated: 2020-10-05. Review status: no assertion criteria provided. Collection method: clinical testing. Allele origin: germline. Not counted in ClinVar's aggregate classification.
Comment: This variant is classified as likely benign based on ACMG/AMP sequence variant interpretation guidelines (Richards et al. 2015 PMID: 25741868, with internal and published modifications).